The following is an entry in ClinVar:

ClinVar aggregate classification (germline): Likely pathogenic (0 of 4 stars; one submission).

Conditions:
Platelet-type bleeding disorder 17 (BDPLT17). Also called: Thrombasthenia-thrombocytopenia, hereditary. Identifiers: Orphanet 721, MedGen C1861194, MONDO:0008553, OMIM 187900.

Submission:

ISTH-SSC Genomics in Thrombosis and Hemostasis, KU Leuven, Center for Molecular and Vascular Biology
Classification: Likely pathogenic for Platelet-type bleeding disorder 17. Review status: no assertion criteria provided. Collection method: research. Allele origin: biparental. Affected: yes.
Comment: Submitted to GoldVariant by Eva Leinoe from Genomic Medicine, Rigshospitalet, Copenhagen, Denmark

NM_001377304.1(GFI1B):c.521C>T (p.Thr174Ile)

Gene: GFI1B (growth factor independent 1B transcriptional repressor; plus strand). Cytogenetic location: 9q34.13.
Variant type: single nucleotide variant.
Coding change: c.521C>T on transcript NM_001377304.1 (MANE Select); coding-DNA position 521, C replaced by T.
Protein change: p.Thr174Ile; replaces threonine 174 with isoleucine.
Molecular consequence: missense variant. On other transcripts: intron variant (2).
Genome position (GRCh38, 1-based): chr9:132,989,071, C>T. VCF-style: chr9-132989071-C-T. GRCh37 (hg19) VCF-style: chr9-135864458-C-T.
Other names: c.521C>T, p.Thr174Ile (NM_001371908.1, NM_004188.8); c.510+603C>T (NM_001135031.2, NM_001377305.1); short protein forms T174I.
Identifiers: ClinVar variation 1684412 (VCV001684412.1), dbSNP rs376762177, ClinGen allele CA5301982.